The following is an entry in ClinVar:

NM_000535.7(PMS2):c.1356T>G (p.Gly452=)

Gene: PMS2 (PMS1 homolog 2, mismatch repair system component; minus strand). Cytogenetic location: 7p22.1.
Variant type: single nucleotide variant.
Coding change: c.1356T>G on transcript NM_000535.7 (MANE Select); coding-DNA position 1356, T replaced by G.
Protein change: p.Gly452=; no amino-acid change (glycine 452 retained).
Molecular consequence: synonymous variant. On other transcripts: non-coding transcript variant (1).
Genome position (GRCh38, 1-based): chr7:5,987,409, A>C on the plus strand (T>G on the coding strand, the complement: PMS2 is on the minus strand). VCF-style: chr7-5987409-A-C. GRCh37 (hg19) VCF-style: chr7-6027040-A-C.
Other names: c.951T>G, p.Gly317= (NM_001322003.2, NM_001322004.2, NM_001322005.2 and 1 more transcripts); c.1200T>G, p.Gly400= (NM_001322006.2); c.1038T>G, p.Gly346= (NM_001322007.2, NM_001322008.2); c.795T>G, p.Gly265= (NM_001322010.2); c.423T>G, p.Gly141= (NM_001322011.2, NM_001322012.2); c.783T>G, p.Gly261= (NM_001322013.2); c.1356T>G, p.Gly452= (NM_001322014.2); c.1047T>G, p.Gly349= (NM_001322015.2).
Identifiers: ClinVar variation 926774 (VCV000926774.14), dbSNP rs786202946, ClinGen allele CA453746881.

ClinVar aggregate classification (germline): Benign/Likely benign. Review status: criteria provided, multiple submitters, no conflicts (2 of 4 stars). 5 submissions from 5 submitters: Benign (1); Likely benign (3). 1 of the submissions does not count toward it. Last evaluated 2025-05-05.

Conditions:
Hereditary cancer-predisposing syndrome. Also called: Neoplastic Syndromes, Hereditary; Tumor predisposition; Hereditary Cancer Syndrome; Hereditary neoplastic syndrome. Identifiers: Orphanet 140162, MedGen C0027672, MeSH D009386, MONDO:0015356.
Hereditary nonpolyposis colorectal neoplasms. Identifiers: MedGen C0009405, MeSH D003123.
Lynch syndrome. Identifiers: Orphanet 144, MedGen C4552100, MONDO:0005835. Disease mechanism: loss of function.
Lynch syndrome 4 (LYNCH4). Also called: Colorectal cancer, hereditary nonpolyposis, type 4; Hereditary non-polyposis colorectal cancer, type 4. Identifiers: Orphanet 144, MedGen C1838333, MONDO:0013699, OMIM 614337. Disease mechanism: loss of function.

Submissions (5):

Labcorp Genetics (formerly Invitae), Labcorp
Classification: Likely benign for Hereditary nonpolyposis colorectal neoplasms. Last evaluated: 2025-05-05. Review status: criteria provided, single submitter. Criteria: Invitae Variant Classification Sherloc (09022015). Collection method: clinical testing. Allele origin: germline.

Myriad Genetics, Inc.
Classification: Benign for Lynch syndrome 4. Last evaluated: 2025-01-30. Review status: criteria provided, single submitter. Criteria: Myriad Autosomal Dominant, Autosomal Recessive and X-Linked Classification Criteria (2023). Collection method: clinical testing. Allele origin: unknown.
Comment: This variant is considered benign. This variant is a silent/synonymous amino acid change and it is not expected to impact splicing.

Ambry Genetics
Classification: Likely benign for Hereditary cancer-predisposing syndrome. Last evaluated: 2021-03-14. Review status: criteria provided, single submitter. Criteria: Ambry Variant Classification Scheme 2023. Collection method: clinical testing. Allele origin: germline.

Color Diagnostics, LLC DBA Color Health
Classification: Likely benign for Hereditary cancer-predisposing syndrome. Last evaluated: 2019-09-19. Review status: criteria provided, single submitter. Criteria: ACMG Guidelines, 2015. Collection method: clinical testing. Allele origin: germline.

Department of Pathology and Laboratory Medicine, Sinai Health System
Classification: Uncertain significance for Lynch syndrome. Review status: no assertion criteria provided. Collection method: clinical testing. Allele origin: unknown. Affected: yes. Observed: 1 variant allele. Study: The Canadian Open Genetics Repository (COGR). Not counted in ClinVar's aggregate classification.
Comment: The PMS2 p.Gly452= variant was not identified in the literature nor was it identified in the dbSNP, ClinVar, GeneInsight-COGR, Cosmic, Zhejiang University Database, Mismatch Repair Genes Variant Database, or Insight Hereditary Tumors database. The variant was not identified in the following control databases: the Exome Aggregation Consortium (August 8th 2016) or the Genome Aggregation Database (Feb 27, 2017). The p.Gly452= variant is not expected to have clinical significance because it does not result in a change of amino acid and is not located in a known consensus splice site. Three of four in silico or computational prediction software programs (SpliceSiteFinder, MaxEntScan, NNSPLICE, GeneSplicer) predict a greater than 10% difference in splicing; however, this information is not predictive enough to assume pathogenicity. In summary, based on the above information, the clinical significance of this variant cannot be determined with certainty at this time. This variant is classified as a variant of uncertain significance.